The following is an entry in ClinVar:

ClinVar aggregate classification (germline): Conflicting classifications of pathogenicity. Review status: criteria provided, conflicting classifications (1 of 4 stars). 7 submissions from 7 submitters: Uncertain significance (6); Likely benign (1). Last evaluated 2026-02-11.

Conditions:
Alzheimer disease 4 (AD4). Identifiers: Orphanet 1020, MedGen C1847200, MONDO:0011743, OMIM 606889.
Dilated cardiomyopathy 1V (CMD1V). Identifiers: Orphanet 154, MedGen C3150958, MONDO:0013373, OMIM 613697.
PSEN2-related disorder. Also called: PSEN2-related condition.

Allele frequency attached by ClinVar (database versions not stated): gnomAD exomes 0.00021; gnomAD 0.00029; ESP Exome Variant Server 0.00008; ExAC 0.00017; TOPMed 0.00020.

Submissions (7):

PreventionGenetics, part of Exact Sciences
Classification: Likely benign for PSEN2-related condition. Last evaluated: 2026-02-11. Review status: criteria provided, single submitter. Criteria: ACMG Guidelines, 2015. Collection method: clinical testing. Allele origin: germline.
Comment: This variant is classified as likely benign based on ACMG/AMP sequence variant interpretation guidelines (Richards et al. 2015 PMID: 25741868, with internal and published modifications).

Labcorp Genetics (formerly Invitae), Labcorp
Classification: Uncertain significance for Alzheimer disease 4. Last evaluated: 2025-11-17. Review status: criteria provided, single submitter. Criteria: Invitae Variant Classification Sherloc (09022015). Collection method: clinical testing. Allele origin: germline.
Comment: This sequence change replaces arginine, which is basic and polar, with cysteine, which is neutral and slightly polar, at codon 62 of the PSEN2 protein (p.Arg62Cys). This variant is present in population databases (rs150400387, gnomAD 0.05%), and has an allele count higher than expected for a pathogenic variant. This missense change has been observed in individual(s) with Alzheimer’s disease and/or frontotemporal dementia (PMID: 25104557, 25937274, 28008242, 28243073, 30279455, 34102969). ClinVar contains an entry for this variant (Variation ID: 567646). An algorithm developed to predict the effect of missense changes on protein structure and function (PolyPhen-2) suggests that this variant is likely to be tolerated. Experimental studies have shown that this missense change does not substantially affect PSEN2 function (PMID: 32087291). In summary, the available evidence is currently insufficient to determine the role of this variant in disease. Therefore, it has been classified as a Variant of Uncertain Significance.

Women's Health and Genetics/Laboratory Corporation of America, LabCorp
Classification: Uncertain significance. Last evaluated: 2025-10-08. Review status: criteria provided, single submitter. Criteria: LabCorp Variant Classification Summary - May 2015. Collection method: clinical testing. Allele origin: germline.
Comment: Variant summary: PSEN2 c.184C>T (p.Arg62Cys) results in a non-conservative amino acid change in the encoded protein sequence. Algorithms developed to predict the effect of missense changes on protein structure and function are either unavailable or do not agree on the potential impact of this missense change. The variant allele was found at a frequency of 0.00021 in 251120 control chromosomes (gnomAD). This frequency is not significantly higher than estimated for disease-causing variants in PSEN2, allowing no conclusion about variant significance. c.184C>T has been observed in individuals affected with Alzheimer Disease or frontotemporal dementia without strong evidence of causality (e.g., Sassi_2014, Park_2017, Koriath_2020, Mao_2021, Dong_2022). These reports do not provide unequivocal conclusions about association of the variant with Alzheimer Disease 4. Publications report experimental evidence evaluating an impact on protein function (Hsu_2020, Dong_2022). These results showed no damaging effect of this variant. The following publications have been ascertained in the context of this evaluation (PMID: 28243073, 32087291, 25104557, 30279455, 34102969, 35491795). ClinVar contains an entry for this variant (Variation ID: 567646). Based on the evidence outlined above, the variant was classified as uncertain significance.

Mayo Clinic Laboratories, Mayo Clinic
Classification: Uncertain significance. Last evaluated: 2024-02-27. Review status: criteria provided, single submitter. Criteria: ACMG Guidelines, 2015. Collection method: clinical testing. Allele origin: germline. Observed: 1 variant allele.
Comment: BS2

Revvity Omics, Revvity
Classification: Uncertain significance. Last evaluated: 2023-09-04. Review status: criteria provided, single submitter. Criteria: ACMG Guidelines, 2015. Collection method: clinical testing. Allele origin: germline.

Fulgent Genetics
Classification: Uncertain significance for Alzheimer disease 4; Dilated cardiomyopathy 1V. Last evaluated: 2022-02-02. Review status: criteria provided, single submitter. Criteria: ACMG Guidelines, 2015. Collection method: clinical testing. Allele origin: unknown.

GeneDx
Classification: Uncertain significance. Last evaluated: 2019-12-16. Review status: criteria provided, single submitter. Criteria: GeneDx Variant Classification Process June 2021. Collection method: clinical testing. Allele origin: germline. Affected: yes.
Comment: In silico analysis, which includes protein predictors and evolutionary conservation, supports that this variant does not alter protein structure/function; This variant is associated with the following publications: (PMID: 32087291, 28008242, 25104557, 30279455, 25937274, 28243073)

Literature cited by the submitters: PubMed 25104557 (cited by 3 submitters); PubMed 25937274 (cited by Labcorp Genetics (formerly Invitae), Labcorp and Mayo Clinic Laboratories, Mayo Clinic); PubMed 28008242 (cited by Labcorp Genetics (formerly Invitae), Labcorp and Mayo Clinic Laboratories, Mayo Clinic); PubMed 28243073 (cited by 3 submitters); PubMed 30279455 (cited by 3 submitters); PubMed 34102969 (cited by 3 submitters); PubMed 32087291 (cited by 3 submitters); PubMed 35491795 (cited by Women's Health and Genetics/Laboratory Corporation of America, LabCorp and Mayo Clinic Laboratories, Mayo Clinic); PubMed 31847883 (cited by Mayo Clinic Laboratories, Mayo Clinic).

NM_000447.3(PSEN2):c.184C>T (p.Arg62Cys)

Gene: PSEN2 (presenilin 2; plus strand). Cytogenetic location: 1q42.13.
Variant type: single nucleotide variant.
Coding change: c.184C>T on transcript NM_000447.3 (MANE Select); coding-DNA position 184, C replaced by T.
Protein change: p.Arg62Cys; replaces arginine 62 with cysteine.
Molecular consequence: missense variant.
Genome position (GRCh38, 1-based): chr1:226,883,747, C>T. VCF-style: chr1-226883747-C-T. GRCh37 (hg19) VCF-style: chr1-227071448-C-T.
Other names: p.Arg62Cys; c.184C>T, p.Arg62Cys (NM_012486.3); short protein forms R62C.
Identifiers: ClinVar variation 567646 (VCV000567646.21), dbSNP rs150400387, ClinGen allele CA1424432.
Genomic context (GRCh38, chr1:226,883,747, plus strand): 5'-CGATGTGGTTTCCCACAGAGAAGCCAGGAGAACGAGGAGGACGGTGAGGAGGACCCTGAC[C>T]GCTATGTCTGTAGTGGGGTTCCCGGGCGGCCGCCAGGCCTGGAGGAAGAGCTGACCCTCA-3'
Protein context (NP_000438.2, residues 52-72): NEEDGEEDPD[Arg62Cys]YVCSGVPGRP